The following is an entry in ClinVar:

ClinVar aggregate classification (germline): Likely pathogenic. Review status: criteria provided, multiple submitters, no conflicts (2 of 4 stars). 7 submissions from 7 submitters: Likely pathogenic (2). 5 of the submissions do not count toward it. Last evaluated 2024-03-18.

Conditions:
Cardiovascular phenotype. Identifiers: MedGen CN230736.
Hypertrophic cardiomyopathy. Also called: HYPERTROPHIC MYOCARDIOPATHY. Identifiers: Orphanet 217569, MedGen C0007194, MeSH D002312, MONDO:0005045, HP:0001639.

Submissions (7):

Ambry Genetics
Classification: Likely pathogenic for Cardiovascular phenotype. Last evaluated: 2024-03-18. Review status: criteria provided, single submitter. Criteria: Ambry Variant Classification Scheme 2023. Collection method: clinical testing. Allele origin: germline.
Comment: The p.E62Q variant (also known as c.184G>C), located in coding exon 2 of the TPM1 gene, results from a G to C substitution at nucleotide position 184. The glutamic acid at codon 62 is replaced by glutamine, an amino acid with highly similar properties. This missense alteration is located in a region that has a low rate of benign missense variation (Lek M et al. Nature. 2016 Aug 18;536(7616):285-91; DECIPHER: Database of Chromosomal Imbalance and Phenotype in Humans using Ensembl Resources. Firth H.V. et al. 2009. Am.J.Hum.Genet. 84, 524-533 (DOI)). This variant was reported in multiple individuals with features consistent with hypertrophic (HCM), dilated cardiomyopathy (DCM) or unspecified cardiomyopathy, and segregated with disease in a family with HCM and sudden death (Jongbloed RJ et al. J Am Coll Cardiol, 2003 Mar;41:981-6; Te Rijdt WP et al. Cardiovasc Pathol, 2017 May;30:23-26; Robyns T et al. Eur J Med Genet, 2020 Mar;63:103754; Stroeks SLVM et al. Genet Med, 2021 Nov;23:2186-2193). Functional studies indicate this variant may impact protein function; however, additional evidence is needed to confirm these findings (Chang AN et al. Front Physiol, 2014 Dec;5:460; Dorsch LM et al. Int J Cardiol, 2021 Jan;323:251-258; Farman GP et al. Arch Biochem Biophys, 2018 Jun;647:84-92). This variant is considered to be rare based on population cohorts in the Genome Aggregation Database (gnomAD). This amino acid position is highly conserved in available vertebrate species. In addition, this alteration is predicted to be deleterious by in silico analysis. Based on the majority of available evidence to date, this variant is likely to be pathogenic.

Center for Human Genetics, University of Leuven
Classification: Likely pathogenic for Hypertrophic cardiomyopathy. Last evaluated: 2018-10-31. Review status: criteria provided, single submitter. Criteria: ACMG Guidelines, 2015. Collection method: clinical testing. Allele origin: germline. Affected: yes.

Leiden Muscular Dystrophy (TPM1)
No classification provided. Last evaluated: 2012-04-15. Review status: no classification provided. Collection method: curation. Allele origin: germline. Not counted in ClinVar's aggregate classification.

Clinical Genetics DNA and cytogenetics Diagnostics Lab, Erasmus MC, Erasmus Medical Center
Classification: Pathogenic. Review status: no assertion criteria provided. Collection method: clinical testing. Allele origin: germline. Affected: yes. Study: VKGL Data-share Consensus. Not counted in ClinVar's aggregate classification.

Clinical Genetics, Academic Medical Center
Classification: Pathogenic. Review status: no assertion criteria provided. Collection method: clinical testing. Allele origin: germline. Affected: yes. Study: VKGL Data-share Consensus. Not counted in ClinVar's aggregate classification.

Diagnostic Laboratory, Department of Genetics, University Medical Center Groningen
Classification: Pathogenic. Review status: no assertion criteria provided. Collection method: clinical testing. Allele origin: germline. Affected: yes. Study: VKGL Data-share Consensus. Not counted in ClinVar's aggregate classification.

Joint Genome Diagnostic Labs from Nijmegen and Maastricht, Radboudumc and MUMC+
Classification: Pathogenic. Review status: no assertion criteria provided. Collection method: clinical testing. Allele origin: germline. Affected: yes. Study: VKGL Data-share Consensus. Not counted in ClinVar's aggregate classification.

Literature cited by the submitters: PubMed 12651045 (cited by Ambry Genetics); PubMed 25241052 (cited by Ambry Genetics); PubMed 25520664 (cited by Ambry Genetics); PubMed 25548289 (cited by Ambry Genetics); PubMed 28759816 (cited by Ambry Genetics); PubMed 29626422 (cited by Ambry Genetics); PubMed 31513939 (cited by Ambry Genetics); PubMed 32882290 (cited by Ambry Genetics); PubMed 34194005 (cited by Ambry Genetics).

NM_001018005.2(TPM1):c.184G>C (p.Glu62Gln)

Gene: TPM1 (tropomyosin 1; plus strand). Cytogenetic location: 15q22.2.
Variant type: single nucleotide variant.
Coding change: c.184G>C on transcript NM_001018005.2 (MANE Select); coding-DNA position 184, G replaced by C.
Protein change: p.Glu62Gln; replaces glutamic acid 62 with glutamine.
Molecular consequence: missense variant. On other transcripts: intron variant (3).
Genome position (GRCh38, 1-based): chr15:63,044,096, G>C. VCF-style: chr15-63044096-G-C. GRCh37 (hg19) VCF-style: chr15-63336295-G-C.
Other names: c.184G>C, p.Glu62Gln (NM_000366.6, NM_001018004.2, NM_001018006.2 and 3 more transcripts); c.310G>C, p.Glu104Gln (NM_001365778.1); c.240+265G>C (NM_001018020.2, NM_001018007.2, NM_001301244.2); short protein forms E62Q, E104Q.
Identifiers: ClinVar variation 31876 (VCV000031876.13), dbSNP rs199476305, ClinGen allele CA018692.